The following is an entry in ClinVar:

NM_001353921.2(ARHGEF9):c.1157G>A (p.Gly386Asp)

Gene: ARHGEF9 (Cdc42 guanine nucleotide exchange factor 9; minus strand). Cytogenetic location: Xq11.1.
Variant type: single nucleotide variant.
Coding change: c.1157G>A on transcript NM_001353921.2 (MANE Select); coding-DNA position 1157, G replaced by A.
Protein change: p.Gly386Asp; replaces glycine 386 with aspartic acid.
Molecular consequence: missense variant. On other transcripts: intron variant (2).
Genome position (GRCh38, 1-based): chrX:63,655,658, C>T on the plus strand (G>A on the coding strand, the complement: ARHGEF9 is on the minus strand). VCF-style: chrX-63655658-C-T. GRCh37 (hg19) VCF-style: chrX-62875538-C-T.
Other names: c.1136G>A (NM_015185.2); c.977G>A, p.Gly326Asp (NM_001173479.2); c.830G>A, p.Gly277Asp (NM_001173480.2, NM_001369042.1); c.1073G>A, p.Gly358Asp (NM_001330495.2, NM_001369033.1, NM_001369034.1 and 4 more transcripts); c.1025G>A, p.Gly342Asp (NM_001353922.2); c.1175G>A, p.Gly392Asp (NM_001353923.1); c.956G>A, p.Gly319Asp (NM_001353924.2, NM_001353926.2, NM_001369039.1 and 1 more transcripts); c.941G>A, p.Gly314Asp (NM_001353927.2, NM_001369041.1); and 4 more; short protein forms G319D, G326D, G386D, G197D, G277D, G342D, G392D, G314D.
Identifiers: ClinVar variation 2837176 (VCV002837176.4), dbSNP rs2519617526, ClinGen allele CA413404657.
Genomic context (GRCh38, chrX:63,655,658, plus strand): 5'-GTCTCCTTGTTGTGAAGCTTAAAGGCATTCTTCATGCTGACATTGAAGTCATCATCTCTG[C>T]CATCCTCAATGTCAACTACCTCATATTTATCCATGTCAATGCGGCCTTTGTAGTACAGGA-3'
Protein context (NP_001340850.1, residues 376-396): DKYEVVDIED[Gly386Asp]RDDDFNVSMK

ClinVar aggregate classification (germline): Uncertain significance. Review status: criteria provided, multiple submitters, no conflicts (2 of 4 stars). 2 submissions from 2 submitters: Uncertain significance (2). Last evaluated 2024-07-01.

Conditions:
Developmental and epileptic encephalopathy, 8 (DEE8). Also called: HYPEREKPLEXIA AND EPILEPSY. Identifiers: Orphanet 163985, Orphanet 2076, MedGen C1845102, MONDO:0010375, OMIM 300607.

Submissions (2):

GeneDx
Classification: Uncertain significance. Last evaluated: 2024-07-01. Review status: criteria provided, single submitter. Criteria: GeneDx Variant Classification Process June 2021. Collection method: clinical testing. Allele origin: germline. Affected: yes.
Comment: Not observed at significant frequency in large population cohorts (gnomAD); In silico analysis supports that this missense variant has a deleterious effect on protein structure/function; Has not been previously published as pathogenic or benign to our knowledge

Labcorp Genetics (formerly Invitae), Labcorp
Classification: Uncertain significance for Developmental and epileptic encephalopathy, 8. Last evaluated: 2023-09-11. Review status: criteria provided, single submitter. Criteria: Invitae Variant Classification Sherloc (09022015). Collection method: clinical testing. Allele origin: germline.
Comment: This sequence change replaces glycine, which is neutral and non-polar, with aspartic acid, which is acidic and polar, at codon 379 of the ARHGEF9 protein (p.Gly379Asp). This variant is not present in population databases (gnomAD no frequency). This variant has not been reported in the literature in individuals affected with ARHGEF9-related conditions. Advanced modeling of protein sequence and biophysical properties (such as structural, functional, and spatial information, amino acid conservation, physicochemical variation, residue mobility, and thermodynamic stability) has been performed at Invitae for this missense variant, however the output from this modeling did not meet the statistical confidence thresholds required to predict the impact of this variant on ARHGEF9 protein function. In summary, the available evidence is currently insufficient to determine the role of this variant in disease. Therefore, it has been classified as a Variant of Uncertain Significance.